The following is an entry in ClinVar:

ClinVar aggregate classification (germline): Uncertain significance (1 of 4 stars; one submission).

Conditions:
Multiple congenital exostosis (EXT). Also called: Hereditary multiple exostoses; Hereditary multiple exostosis; MULTIPLE CARTILAGINOUS EXOSTOSES; Multiple osteochondromas; Multiple exostoses; Hereditary multiple osteochondromas. Identifiers: Orphanet 321, MedGen C0015306, MONDO:0005508, HP:0002762.

Submission:

Labcorp Genetics (formerly Invitae), Labcorp
Classification: Uncertain significance for Multiple congenital exostosis. Last evaluated: 2024-01-26. Review status: criteria provided, single submitter. Criteria: Invitae Variant Classification Sherloc (09022015). Collection method: clinical testing. Allele origin: germline.
Comment: This sequence change falls in intron 9 of the EXT1 gene. It does not directly change the encoded amino acid sequence of the EXT1 protein. It affects a nucleotide within the consensus splice site. This variant is present in population databases (rs767654166, gnomAD 0.003%). This variant has not been reported in the literature in individuals affected with EXT1-related conditions. Variants that disrupt the consensus splice site are a relatively common cause of aberrant splicing (PMID: 17576681, 9536098). Algorithms developed to predict the effect of sequence changes on RNA splicing suggest that this variant is not likely to affect RNA splicing. In summary, the available evidence is currently insufficient to determine the role of this variant in disease. Therefore, it has been classified as a Variant of Uncertain Significance.

Literature cited by the submitters: PubMed 17576681; PubMed 9536098.

NM_000127.3(EXT1):c.1883+6del

Gene: EXT1 (exostosin glycosyltransferase 1; minus strand). Cytogenetic location: 8q24.11.
Variant type: Deletion.
Coding change: c.1883+6del on transcript NM_000127.3 (MANE Select); 6 bases into the intron after coding-DNA position 1883, one base deleted (G; older notation c.1883+6delG).
Molecular consequence: intron variant.
Genome position (GRCh38, 1-based): chr8:117,807,211, C deleted on the plus strand (G on the coding strand, the reverse complement: EXT1 is on the minus strand); the first of 2 consecutive C bases (chr8:117,807,211-117,807,212); deleting either gives the same sequence. VCF-style (leftmost placement, unchanged base first): chr8-117807210-TC-T. GRCh37 (hg19) VCF-style: chr8-118819449-TC-T.
Identifiers: ClinVar variation 3022547 (VCV003022547.3), dbSNP rs767654166, ClinGen allele CA4853995.
Genomic context (GRCh38, chr8:117,807,210, plus strand): 5'-CTATTTATGCAGCAGCCAATATAAAAAGCTATGTAAAGTCTGTAAGAGACATGTCCAGAT[TC>T]CTCACTTGTGGTAAATAGCAGCTCCTGTCAACACCATGGAGTAGTCGTTCGTCCACTTTG-3'